The following is an entry in ClinVar:

NM_007194.4(CHEK2):c.1319T>A (p.Ile440Asn)

Gene: CHEK2 (checkpoint kinase 2; minus strand). Cytogenetic location: 22q12.1.
Variant type: single nucleotide variant.
Coding change: c.1319T>A on transcript NM_007194.4 (MANE Select); coding-DNA position 1319, T replaced by A.
Protein change: p.Ile440Asn; replaces isoleucine 440 with asparagine.
Molecular consequence: missense variant.
Genome position (GRCh38, 1-based): chr22:28,695,183, A>T on the plus strand (T>A on the coding strand, the complement: CHEK2 is on the minus strand). VCF-style: chr22-28695183-A-T. GRCh37 (hg19) VCF-style: chr22-29091171-A-T.
Other names: c.1448T>A, p.Ile483Asn (NM_001005735.3); c.656T>A, p.Ile219Asn (NM_001257387.3); c.1118T>A, p.Ile373Asn (NM_001349956.3); c.1232T>A, p.Ile411Asn (NM_145862.3); short protein forms I219N, I373N, I483N, I440N, I411N.
Identifiers: ClinVar variation 1769853 (VCV001769853.3), dbSNP rs2145794364, ClinGen allele CA411095950.
Genomic context (GRCh38, chr22:28,695,183, plus strand): 5'-ATACCTTTCTCTGAGACTTCTGCCCAGACTTCAGGAATGAAGTTGTATTTTCCACTGGTG[A>T]TCTGATCCTTCAGTGACACTTGAGTCCTATGCTCAGAGAAAGGTGGATACCCACTAAGGC-3'
Protein context (NP_009125.1, residues 430-450): HRTQVSLKDQ[Ile440Asn]TSGKYNFIPE

ClinVar aggregate classification (germline): Uncertain significance (1 of 4 stars; one submission).

Conditions:
Hereditary cancer-predisposing syndrome. Also called: Hereditary Cancer Syndrome; Hereditary neoplastic syndrome; Neoplastic Syndromes, Hereditary; Tumor predisposition. Identifiers: Orphanet 140162, MedGen C0027672, MeSH D009386, MONDO:0015356.

Submission:

Ambry Genetics
Classification: Uncertain significance for Hereditary cancer-predisposing syndrome. Last evaluated: 2022-04-19. Review status: criteria provided, single submitter. Criteria: Ambry Variant Classification Scheme 2023. Collection method: clinical testing. Allele origin: germline.
Comment: The p.I440N variant (also known as c.1319T>A), located in coding exon 11 of the CHEK2 gene, results from a T to A substitution at nucleotide position 1319. The isoleucine at codon 440 is replaced by asparagine, an amino acid with dissimilar properties. This amino acid position is conserved. In addition, this alteration is predicted to be deleterious by in silico analysis. Since supporting evidence is limited at this time, the clinical significance of this alteration remains unclear.